The following is an entry in ClinVar:

NM_001393997.1(CCAR2):c.1203G>A (p.Lys401=)

Gene: CCAR2 (cell cycle and apoptosis regulator 2; plus strand). Cytogenetic location: 8p21.3.
Variant type: single nucleotide variant.
Coding change: c.1203G>A on transcript NM_001393997.1 (MANE Select); coding-DNA position 1203, G replaced by A.
Protein change: p.Lys401=; no amino-acid change (lysine 401 retained).
Molecular consequence: synonymous variant.
Genome position (GRCh38, 1-based): chr8:22,614,999, G>A. VCF-style: chr8-22614999-G-A. GRCh37 (hg19) VCF-style: chr8-22472512-G-A.
Other names: c.1203G>A, p.Lys401= (NM_001363068.2, NM_001363069.2, NM_021174.6).
Identifiers: ClinVar variation 2658471 (VCV002658471.24), dbSNP rs147002132, ClinGen allele CA4670655.

ClinVar aggregate classification (germline): Likely benign (1 of 4 stars; one submission).

Allele frequency attached by ClinVar (database versions not stated): 1000 Genomes Project 0.00040; 1000 Genomes Project 30x 0.00078; ESP Exome Variant Server 0.00154.
gnomAD v4.1: 2,192 of 1,566,056 alleles (0.14%); highest among the groups gnomAD compares: Middle Eastern, 1.2%; 20 homozygotes.

Submission:

CeGaT Center for Human Genetics Tuebingen
Classification: Likely benign. Last evaluated: 2022-09-01. Review status: criteria provided, single submitter. Criteria: CeGaT Center For Human Genetics Tuebingen Variant Classification Criteria Version 2. Collection method: clinical testing. Allele origin: germline. Affected: yes. Observed: 1 variant allele.
Comment: CCAR2: BP4, BP7